The following is an entry in ClinVar:

NM_001253697.2(ERBIN):c.3611T>C (p.Ile1204Thr)

Gene: ERBIN (erbb2 interacting protein; plus strand). Cytogenetic location: 5q12.3.
Variant type: single nucleotide variant.
Coding change: c.3611T>C on transcript NM_001253697.2 (MANE Select); coding-DNA position 3611, T replaced by C.
Protein change: p.Ile1204Thr; replaces isoleucine 1204 with threonine.
Molecular consequence: missense variant.
Genome position (GRCh38, 1-based): chr5:66,054,929, T>C. VCF-style: chr5-66054929-T-C. GRCh37 (hg19) VCF-style: chr5-65350757-T-C.
Other names: c.3611T>C, p.Ile1204Thr (NM_001006600.3, NM_001253698.2, NM_001253699.2 and 1 more transcripts); c.3599T>C, p.Ile1200Thr (NM_001253701.2); short protein forms I1200T, I1204T.
Identifiers: ClinVar variation 2805674 (VCV002805674.3), dbSNP rs755735191, ClinGen allele CA3286689.

ClinVar aggregate classification (germline): Uncertain significance (1 of 4 stars; one submission).

Allele frequency attached by ClinVar (database versions not stated): ExAC 0.00001.
gnomAD v4.1: 4 of 1,580,542 alleles (0.00025%); highest among the groups gnomAD compares: African/African-American, 0.0027%; no homozygotes.

Submission:

Labcorp Genetics (formerly Invitae), Labcorp
Classification: Uncertain significance. Last evaluated: 2023-03-20. Review status: criteria provided, single submitter. Criteria: Invitae Variant Classification Sherloc (09022015). Collection method: clinical testing. Allele origin: germline.
Comment: In summary, the available evidence is currently insufficient to determine the role of this variant in disease. Therefore, it has been classified as a Variant of Uncertain Significance. An algorithm developed to predict the effect of missense changes on protein structure and function (PolyPhen-2) suggests that this variant is likely to be disruptive. This variant has not been reported in the literature in individuals affected with ERBIN-related conditions. This variant is not present in population databases (gnomAD no frequency). This sequence change replaces isoleucine, which is neutral and non-polar, with threonine, which is neutral and polar, at codon 1204 of the ERBIN protein (p.Ile1204Thr).